The following is an entry in ClinVar:

NM_001003722.2(GLE1):c.564G>C (p.Arg188=)

Gene: GLE1 (GLE1 RNA export mediator; plus strand). Cytogenetic location: 9q34.11.
Variant type: single nucleotide variant.
Coding change: c.564G>C on transcript NM_001003722.2 (MANE Select); coding-DNA position 564, G replaced by C.
Protein change: p.Arg188=; no amino-acid change (arginine 188 retained).
Molecular consequence: synonymous variant.
Genome position (GRCh38, 1-based): chr9:128,522,799, G>C. VCF-style: chr9-128522799-G-C. GRCh37 (hg19) VCF-style: chr9-131285078-G-C.
Other names: c.564G>C, p.Arg188= (NM_001499.2).
Identifiers: ClinVar variation 711947 (VCV000711947.14), dbSNP rs559370225, ClinGen allele CA5263629.

ClinVar aggregate classification (germline): Likely benign. Review status: criteria provided, single submitter (1 of 4 stars). 3 submissions from 3 submitters: Likely benign (1). 2 of the submissions do not count toward it. Last evaluated 2024-02-09.

Conditions:
Lethal congenital contractural syndrome Finnish type.
GLE1-related disorder. Also called: GLE1-related condition; GLE1-related disorders.

Allele frequency attached by ClinVar (database versions not stated): gnomAD exomes 0.00009; 1000 Genomes Project 30x 0.00016; 1000 Genomes Project 0.00020; ExAC 0.00025.

Submissions (3):

Labcorp Genetics (formerly Invitae), Labcorp
Classification: Likely benign. Last evaluated: 2024-02-09. Review status: criteria provided, single submitter. Criteria: Invitae Variant Classification Sherloc (09022015). Collection method: clinical testing. Allele origin: germline.

Natera, Inc.
Classification: Benign for Lethal congenital contractural syndrome Finnish type. Last evaluated: 2021-01-02. Review status: no assertion criteria provided. Collection method: clinical testing. Allele origin: germline. Not counted in ClinVar's aggregate classification.

PreventionGenetics, part of Exact Sciences
Classification: Likely benign for GLE1-related condition. Last evaluated: 2019-02-22. Review status: no assertion criteria provided. Collection method: clinical testing. Allele origin: germline. Not counted in ClinVar's aggregate classification.
Comment: This variant is classified as likely benign based on ACMG/AMP sequence variant interpretation guidelines (Richards et al. 2015 PMID: 25741868, with internal and published modifications).